The following is an entry in ClinVar:

NM_015697.9(COQ2):c.64A>G (p.Arg22Gly)

Genes: COQ2 (coenzyme Q2, polyprenyltransferase; minus strand), LOC112997540 (Sharpr-MPRA regulatory region 13773; plus strand). Cytogenetic location: 4q21.23.
Variant type: single nucleotide variant.
Coding change: c.64A>G on transcript NM_015697.9; coding-DNA position 64, A replaced by G.
Protein change: p.Arg22Gly; replaces arginine 22 with glycine.
Molecular consequence: missense variant.
Genome position (GRCh38, 1-based): chr4:83,284,851, T>C on the plus strand (A>G on the coding strand, the complement: COQ2 is on the minus strand). VCF-style: chr4-83284851-T-C. GRCh37 (hg19) VCF-style: chr4-84206004-T-C.
Other names: p.Arg22Gly; short protein forms R22G.
Identifiers: ClinVar variation 4540985 (VCV004540985.1).

ClinVar aggregate classification (germline): Uncertain significance (1 of 4 stars; one submission).

gnomAD v4.1: 2 of 1,547,010 alleles (0.00013%); highest among the groups gnomAD compares: Middle Eastern, 0.017%; no homozygotes.

Submission:

Mayo Clinic Laboratories, Mayo Clinic
Classification: Uncertain significance. Last evaluated: 2025-07-02. Review status: criteria provided, single submitter. Criteria: ACMG Guidelines, 2015. Collection method: clinical testing. Allele origin: germline. Observed: 1 variant allele.
Comment: BP4_moderate, PM2_supporting